The following is an entry in ClinVar:

ClinVar aggregate classification (germline): Uncertain significance (1 of 4 stars; one submission).

Conditions:
Epileptic encephalopathy. Identifiers: MedGen C0543888, HP:0200134.

Allele frequency attached by ClinVar (database versions not stated): gnomAD 0.00001; gnomAD exomes 0.00002 and 0.00004; TOPMed 0.00003; ExAC 0.00007; 1000 Genomes Project 30x 0.00016; 1000 Genomes Project 0.00020.
gnomAD v4.1: 25 of 1,611,566 alleles (0.0016%); highest among the groups gnomAD compares: East Asian, 0.029%; no homozygotes.

Submission:

Labcorp Genetics (formerly Invitae), Labcorp
Classification: Uncertain significance for Epileptic encephalopathy. Last evaluated: 2024-11-11. Review status: criteria provided, single submitter. Criteria: Invitae Variant Classification Sherloc (09022015). Collection method: clinical testing. Allele origin: germline.
Comment: This sequence change falls in intron 28 of the FASN gene. It does not directly change the encoded amino acid sequence of the FASN protein. It affects a nucleotide within the consensus splice site. This variant is present in population databases (rs563235937, gnomAD 0.02%). This variant has not been reported in the literature in individuals affected with FASN-related conditions. ClinVar contains an entry for this variant (Variation ID: 1008664). Variants that disrupt the consensus splice site are a relatively common cause of aberrant splicing (PMID: 17576681, 9536098). Algorithms developed to predict the effect of sequence changes on RNA splicing suggest that this variant may disrupt the consensus splice site. In summary, the available evidence is currently insufficient to determine the role of this variant in disease. Therefore, it has been classified as a Variant of Uncertain Significance.

Literature cited by the submitters: PubMed 17576681; PubMed 9536098.

NM_004104.5(FASN):c.4919+4A>C

Gene: FASN (fatty acid synthase; minus strand). Cytogenetic location: 17q25.3.
Variant type: single nucleotide variant.
Coding change: c.4919+4A>C on transcript NM_004104.5 (MANE Select); 4 bases into the intron after coding-DNA position 4919, A replaced by C.
Molecular consequence: intron variant.
Genome position (GRCh38, 1-based): chr17:82,084,230, T>G on the plus strand (A>C on the coding strand, the complement: FASN is on the minus strand). VCF-style: chr17-82084230-T-G. GRCh37 (hg19) VCF-style: chr17-80042106-T-G.
Identifiers: ClinVar variation 1008664 (VCV001008664.7), dbSNP rs563235937, ClinGen allele CA8851904.